The following is an entry in ClinVar:

ClinVar aggregate classification (germline): Uncertain significance (1 of 4 stars; one submission).

Submission:

Labcorp Genetics (formerly Invitae), Labcorp
Classification: Uncertain significance. Last evaluated: 2024-04-15. Review status: criteria provided, single submitter. Criteria: Invitae Variant Classification Sherloc (09022015). Collection method: clinical testing. Allele origin: germline.
Comment: This sequence change falls in intron 11 of the DLC1 gene. It does not directly change the encoded amino acid sequence of the DLC1 protein. It affects a nucleotide within the consensus splice site. This variant is not present in population databases (gnomAD no frequency). This variant has not been reported in the literature in individuals affected with DLC1-related conditions. Variants that disrupt the consensus splice site are a relatively common cause of aberrant splicing (PMID: 17576681, 9536098). Algorithms developed to predict the effect of sequence changes on RNA splicing suggest that this variant is not likely to affect RNA splicing. In summary, the available evidence is currently insufficient to determine the role of this variant in disease. Therefore, it has been classified as a Variant of Uncertain Significance.

Literature cited by the submitters: PubMed 17576681; PubMed 9536098.

NM_182643.3(DLC1):c.3327+5G>T

Gene: DLC1 (DLC1 Rho GTPase activating protein; minus strand). Cytogenetic location: 8p22.
Variant type: single nucleotide variant.
Coding change: c.3327+5G>T on transcript NM_182643.3 (MANE Select); 5 bases into the intron after coding-DNA position 3327, G replaced by T.
Molecular consequence: intron variant.
Genome position (GRCh38, 1-based): chr8:13,095,081, C>A on the plus strand (G>T on the coding strand, the complement: DLC1 is on the minus strand). VCF-style: chr8-13095081-C-A. GRCh37 (hg19) VCF-style: chr8-12952590-C-A.
Other names: c.1794+5G>T (NM_001348082.2, NM_001413126.1, NM_001413127.1 and 6 more transcripts); c.3327+5G>T (NM_001348081.2, NM_001413124.1); c.1767+5G>T (NM_001413131.1, NM_001413137.1); c.2118+5G>T (NM_001413129.1, NM_001316668.2); c.2253+5G>T (NM_001413132.1); c.2109+5G>T (NM_001413130.1); c.2016+5G>T (NM_001413136.1, NM_001413139.1, NM_001413135.1 and 1 more transcripts); c.2151+5G>T (NM_001413140.1).
Identifiers: ClinVar variation 3633110 (VCV003633110.2).